The following is an entry in ClinVar:

ClinVar aggregate classification (germline): Uncertain significance (1 of 4 stars; one submission).

Submission:

GeneDx
Classification: Uncertain significance. Last evaluated: 2026-04-22. Review status: criteria provided, single submitter. Criteria: GeneDx Variant Classification Process June 2021. Collection method: clinical testing. Allele origin: germline.
Comment: Not observed at significant frequency in large population cohorts (gnomAD); In silico analysis supports that this missense variant has a deleterious effect on protein structure/function; Has not been previously published as pathogenic or benign to our knowledge

NM_005045.4(RELN):c.3578C>A (p.Pro1193His)

Gene: RELN (reelin; minus strand). Cytogenetic location: 7q22.1.
Variant type: single nucleotide variant.
Coding change: c.3578C>A on transcript NM_005045.4 (MANE Select); coding-DNA position 3578, C replaced by A.
Protein change: p.Pro1193His; replaces proline 1193 with histidine.
Molecular consequence: missense variant.
Genome position (GRCh38, 1-based): chr7:103,594,454, G>T on the plus strand (C>A on the coding strand, the complement: RELN is on the minus strand). VCF-style: chr7-103594454-G-T. GRCh37 (hg19) VCF-style: chr7-103234901-G-T.
Other names: c.3578C>A, p.Pro1193His (NM_173054.3); short protein forms P1193H.
Identifiers: ClinVar variation 5037580 (VCV005037580.1).